The following is an entry in ClinVar:

NM_021098.3(CACNA1H):c.6262G>A (p.Gly2088Arg)

Gene: CACNA1H (calcium voltage-gated channel subunit alpha1 H; plus strand). Cytogenetic location: 16p13.3.
Variant type: single nucleotide variant.
Coding change: c.6262G>A on transcript NM_021098.3 (MANE Select); coding-DNA position 6262, G replaced by A.
Protein change: p.Gly2088Arg; replaces glycine 2088 with arginine.
Molecular consequence: missense variant.
Genome position (GRCh38, 1-based): chr16:1,220,194, G>A. VCF-style: chr16-1220194-G-A. GRCh37 (hg19) VCF-style: chr16-1270194-G-A.
Other names: c.6244G>A, p.Gly2082Arg (NM_001005407.2); short protein forms G2088R, G2082R.
Identifiers: ClinVar variation 460161 (VCV000460161.9), dbSNP rs779925007, ClinGen allele CA7802290.
Genomic context (GRCh38, chr16:1,220,194, plus strand): 5'-CGCACTCGTAAGCATACCTTCGGACAGCGCTGCGTCTCCAGCCGGCCGGCGGCCCCAGGC[G>A]GAGAGGAGGCCGAGGCCTCGGACCCAGCCGACGAGGAGGTCAGCCACATCACCAGCTCCG-3'
Protein context (NP_066921.2, residues 2078-2098): CVSSRPAAPG[Gly2088Arg]EEAEASDPAD

ClinVar aggregate classification (germline): Uncertain significance. Review status: criteria provided, multiple submitters, no conflicts (2 of 4 stars). 4 submissions from 4 submitters: Uncertain significance (4). Last evaluated 2025-07-09.

Conditions:
Inborn genetic diseases. Identifiers: MedGen C0950123, MeSH D030342.
Epilepsy, childhood absence, susceptibility to, 6. Identifiers: Orphanet 64280, MedGen C2749872, MONDO:0012763, OMIM 611942.
Hyperaldosteronism, familial, type IV (HALD4). Also called: FH IV; ALDOSTERONISM, PRIMARY, AND HYPERTENSION. Identifiers: Orphanet 642671, MedGen C4310756, MONDO:0014875, OMIM 617027.
Idiopathic generalized epilepsy. Also called: EIG; Generalised epilepsy. Identifiers: MedGen C0270850, MONDO:0005579, OMIM 600669.

Allele frequency attached by ClinVar (database versions not stated): ExAC 0.00001; gnomAD exomes 0.00002; gnomAD 0.00003; TOPMed 0.00004.
gnomAD v4.1: 32 of 1,540,768 alleles (0.0021%); highest among the groups gnomAD compares: Middle Eastern, 0.034%; no homozygotes.

Submissions (4):

Labcorp Genetics (formerly Invitae), Labcorp
Classification: Uncertain significance for Idiopathic generalized epilepsy; Hyperaldosteronism, familial, type IV. Last evaluated: 2025-07-09. Review status: criteria provided, single submitter. Criteria: Invitae Variant Classification Sherloc (09022015). Collection method: clinical testing. Allele origin: germline.
Comment: This sequence change replaces glycine, which is neutral and non-polar, with arginine, which is basic and polar, at codon 2088 of the CACNA1H protein (p.Gly2088Arg). The frequency data for this variant in the population databases is considered unreliable, as metrics indicate poor data quality at this position in the gnomAD database. This variant has not been reported in the literature in individuals affected with CACNA1H-related conditions. ClinVar contains an entry for this variant (Variation ID: 460161). Invitae Evidence Modeling of protein sequence and biophysical properties (such as structural, functional, and spatial information, amino acid conservation, physicochemical variation, residue mobility, and thermodynamic stability) indicates that this missense variant is not expected to disrupt CACNA1H protein function with a negative predictive value of 80%. In summary, the available evidence is currently insufficient to determine the role of this variant in disease. Therefore, it has been classified as a Variant of Uncertain Significance.

Ambry Genetics
Classification: Uncertain significance for Inborn genetic diseases. Last evaluated: 2024-11-24. Review status: criteria provided, single submitter. Criteria: Ambry Variant Classification Scheme 2023. Collection method: clinical testing. Allele origin: germline.

Fulgent Genetics
Classification: Uncertain significance for Epilepsy, childhood absence, susceptibility to, 6; Hyperaldosteronism, familial, type IV. Last evaluated: 2024-02-08. Review status: criteria provided, single submitter. Criteria: ACMG Guidelines, 2015. Collection method: clinical testing. Allele origin: germline.

New York Genome Center
Classification: Uncertain significance for Epilepsy, childhood absence, susceptibility to, 6. Last evaluated: 2019-10-11. Review status: criteria provided, single submitter. Criteria: NYGC Assertion Criteria 2020. Collection method: clinical testing. Allele origin: germline. Observed: 1 heterozygote. Study: CSER-NYCKidSeq.